The following is an entry in ClinVar:

NM_000059.4(BRCA2):c.5705A>C (p.Asp1902Ala)

Gene: BRCA2 (BRCA2 DNA repair associated; plus strand). Cytogenetic location: 13q13.1.
Variant type: single nucleotide variant.
Coding change: c.5705A>C on transcript NM_000059.4 (MANE Select); coding-DNA position 5705, A replaced by C.
Protein change: p.Asp1902Ala; replaces aspartic acid 1902 with alanine.
Molecular consequence: missense variant. On other transcripts: non-coding transcript variant (1), intron variant (2).
Genome position (GRCh38, 1-based): chr13:32,340,060, A>C. VCF-style: chr13-32340060-A-C. GRCh37 (hg19) VCF-style: chr13-32914197-A-C.
Other names: c.5705A>C, p.Asp1902Ala (NM_001406719.1, NM_001406720.1); c.1910-4498A>C (NM_001406721.1); c.425-4498A>C (NM_001406722.1); short protein forms D1902A.
Identifiers: ClinVar variation 2683822 (VCV002683822.1), dbSNP rs2072536350, ClinGen allele CA387786744.

ClinVar aggregate classification (germline): Likely benign (0 of 4 stars; one submission).

Conditions:
Breast-ovarian cancer, familial, susceptibility to, 2 (BROVCA2). Also called: BRCA2 Hereditary Breast and Ovarian Cancer. Identifiers: Orphanet 145, MedGen C2675520, MONDO:0012933, OMIM 612555. Disease mechanism: loss of function.

Submission:

Department of Medical and Surgical Sciences, University of Bologna
Classification: Likely benign for Breast-ovarian cancer, familial, susceptibility to, 2. Last evaluated: 2023-09-01. Review status: no assertion criteria provided. Collection method: clinical testing. Allele origin: germline. Affected: yes.
Comment: BP1(Strong) according to ACMG/AMP classification guidelines specified for BRCA1 & BRCA2 (Classification Criteria V1.0.0 2023-09-08) (PMID: 38160042)